The following is an entry in ClinVar:

ClinVar aggregate classification (germline): Uncertain significance (1 of 4 stars; one submission).

gnomAD v4.1: 16 of 1,614,174 alleles (0.00099%); highest among the groups gnomAD compares: East Asian, 0.0045%; no homozygotes.

Submission:

Labcorp Genetics (formerly Invitae), Labcorp
Classification: Uncertain significance. Last evaluated: 2021-11-17. Review status: criteria provided, single submitter. Criteria: Invitae Variant Classification Sherloc (09022015). Collection method: clinical testing. Allele origin: germline.
Comment: This sequence change replaces proline, which is neutral and non-polar, with leucine, which is neutral and non-polar, at codon 224 of the MCM3AP protein (p.Pro224Leu). This variant is present in population databases (rs768052088, gnomAD 0.006%). This variant has not been reported in the literature in individuals affected with MCM3AP-related conditions. Algorithms developed to predict the effect of missense changes on protein structure and function output the following: SIFT: "Tolerated"; PolyPhen-2: "Benign"; Align-GVGD: "Class C0". The leucine amino acid residue is found in multiple mammalian species, which suggests that this missense change does not adversely affect protein function. In summary, the available evidence is currently insufficient to determine the role of this variant in disease. Therefore, it has been classified as a Variant of Uncertain Significance.

NM_003906.5(MCM3AP):c.671C>T (p.Pro224Leu)

Gene: MCM3AP (minichromosome maintenance complex component 3 associated protein; minus strand). Cytogenetic location: 21q22.3.
Variant type: single nucleotide variant.
Coding change: c.671C>T on transcript NM_003906.5 (MANE Select); coding-DNA position 671, C replaced by T.
Protein change: p.Pro224Leu; replaces proline 224 with leucine.
Molecular consequence: missense variant.
Genome position (GRCh38, 1-based): chr21:46,284,616, G>A on the plus strand (C>T on the coding strand, the complement: MCM3AP is on the minus strand). VCF-style: chr21-46284616-G-A. GRCh37 (hg19) VCF-style: chr21-47704530-G-A.
Other names: short protein forms P224L.
Identifiers: ClinVar variation 1435371 (VCV001435371.3), dbSNP rs768052088, ClinGen allele CA10077299.